The following is an entry in ClinVar:

ClinVar aggregate classification (germline): Uncertain significance. Review status: criteria provided, multiple submitters, no conflicts (2 of 4 stars). 3 submissions from 3 submitters: Uncertain significance (3). Last evaluated 2025-09-30.

Conditions:
Autosomal dominant nocturnal frontal lobe epilepsy 5. Also called: Epilepsy, nocturnal frontal lobe, 5; CILIARY DYSKINESIA, PRIMARY, 28, WITHOUT SITUS INVERSUS; CILIARY DYSKINESIA, PRIMARY, 28, WITH SITUS INVERSUS; KCNT1-Related Epilepsy. Identifiers: Orphanet 98784, MedGen C3554306, MONDO:0014002, OMIM 615005.
Developmental and epileptic encephalopathy, 14 (DEE14). Also called: Early infantile epileptic encephalopathy 14. Identifiers: Orphanet 293181, MedGen C3554195, MONDO:0013989, OMIM 614959.

Allele frequency attached by ClinVar (database versions not stated): gnomAD exomes 0.00001; TOPMed 0.00001.
gnomAD v4.1: 8 of 1,613,960 alleles (0.0005%); highest among the groups gnomAD compares: South Asian, 0.0088%; no homozygotes.

Submissions (3):

Department of Paediatric Medicine, Post Graduation Institute of Medical Education and Research
Classification: Uncertain significance for Developmental and epileptic encephalopathy, 14. Last evaluated: 2025-09-30. Review status: criteria provided, single submitter. Criteria: ACMG Guidelines, 2015. Collection method: clinical testing. Allele origin: de novo. Inheritance: Autosomal dominant inheritance. Affected: yes. Observed: 1 variant allele, 1 heterozygote.
Comment: This variant p.Leu1177Phe has not been reported previously. Parental segregation is done and found to be denovo.

GeneDx
Classification: Uncertain significance. Last evaluated: 2025-06-29. Review status: criteria provided, single submitter. Criteria: GeneDx Variant Classification Process June 2021. Collection method: clinical testing. Allele origin: germline. Affected: yes.
Comment: In silico analysis suggests that this missense variant does not alter protein structure/function; Has not been previously published as pathogenic or benign to our knowledge

Labcorp Genetics (formerly Invitae), Labcorp
Classification: Uncertain significance for Autosomal dominant nocturnal frontal lobe epilepsy 5; Developmental and epileptic encephalopathy, 14. Last evaluated: 2023-04-22. Review status: criteria provided, single submitter. Criteria: Invitae Variant Classification Sherloc (09022015). Collection method: clinical testing. Allele origin: germline.
Comment: In summary, the available evidence is currently insufficient to determine the role of this variant in disease. Therefore, it has been classified as a Variant of Uncertain Significance. Advanced modeling of protein sequence and biophysical properties (such as structural, functional, and spatial information, amino acid conservation, physicochemical variation, residue mobility, and thermodynamic stability) performed at Invitae indicates that this missense variant is not expected to disrupt KCNT1 protein function. This variant has not been reported in the literature in individuals affected with KCNT1-related conditions. This variant is present in population databases (no rsID available, gnomAD 0.006%). This sequence change replaces leucine, which is neutral and non-polar, with phenylalanine, which is neutral and non-polar, at codon 1177 of the KCNT1 protein (p.Leu1177Phe).

NM_020822.3(KCNT1):c.3529C>T (p.Leu1177Phe)

Gene: KCNT1 (potassium sodium-activated channel subfamily T member 1; plus strand). Cytogenetic location: 9q34.3.
Variant type: single nucleotide variant.
Coding change: c.3529C>T on transcript NM_020822.3 (MANE Select); coding-DNA position 3529, C replaced by T.
Protein change: p.Leu1177Phe; replaces leucine 1177 with phenylalanine.
Molecular consequence: missense variant.
Genome position (GRCh38, 1-based): chr9:135,791,823, C>T. VCF-style: chr9-135791823-C-T. GRCh37 (hg19) VCF-style: chr9-138683669-C-T.
Other names: c.3529C>T (NM_020822.2); c.3457C>T, p.Leu1153Phe (NM_001272003.2); short protein forms L1153F, L1177F.
Identifiers: ClinVar variation 2934024 (VCV002934024.4), dbSNP rs1474508355, ClinGen allele CA375493821.